The following is an entry in ClinVar:

NM_000260.4(MYO7A):c.2786T>C (p.Met929Thr)

Gene: MYO7A (myosin VIIA; plus strand). Cytogenetic location: 11q13.5.
Variant type: single nucleotide variant.
Coding change: c.2786T>C on transcript NM_000260.4 (MANE Select); coding-DNA position 2786, T replaced by C.
Protein change: p.Met929Thr; replaces methionine 929 with threonine.
Molecular consequence: missense variant.
Genome position (GRCh38, 1-based): chr11:77,181,471, T>C. VCF-style: chr11-77181471-T-C. GRCh37 (hg19) VCF-style: chr11-76892517-T-C.
Other names: c.2786T>C, p.Met929Thr (NM_001127180.2); c.2753T>C, p.Met918Thr (NM_001369365.1); short protein forms M918T, M929T.
Identifiers: ClinVar variation 1707929 (VCV001707929.2), dbSNP rs1955177590, ClinGen allele CA381942885.

ClinVar aggregate classification (germline): Uncertain significance (1 of 4 stars; one submission).

gnomAD v4.1: 1 of 1,612,254 alleles (0.000062%); highest among the groups gnomAD compares: Non-Finnish European, 0.000085%; no homozygotes.

Submission:

GeneDx
Classification: Uncertain significance. Last evaluated: 2022-03-31. Review status: criteria provided, single submitter. Criteria: GeneDx Variant Classification Process June 2021. Collection method: clinical testing. Allele origin: germline. Affected: yes.
Comment: Not observed at significant frequency in large population cohorts (gnomAD); In silico analysis supports that this missense variant does not alter protein structure/function; Has not been previously published as pathogenic or benign to our knowledge